The following is an entry in ClinVar:

NM_145059.3(FCSK):c.139G>A (p.Val47Met)

Gene: FCSK (fucose kinase; plus strand). Cytogenetic location: 16q22.1.
Variant type: single nucleotide variant.
Coding change: c.139G>A on transcript NM_145059.3 (MANE Select); coding-DNA position 139, G replaced by A.
Protein change: p.Val47Met; replaces valine 47 with methionine.
Molecular consequence: missense variant.
Genome position (GRCh38, 1-based): chr16:70,463,679, G>A. VCF-style: chr16-70463679-G-A. GRCh37 (hg19) VCF-style: chr16-70497582-G-A.
Other names: c.139G>A (NM_145059.2); short protein forms V47M.
Identifiers: ClinVar variation 1959665 (VCV001959665.6), dbSNP rs760399324, ClinGen allele CA8142744.
Genomic context (GRCh38, chr16:70,463,679, plus strand): 5'-CTAGAACTGGAAGTGCGGCAGAAGCGGGAGCAGATCCCTGCTGGGACGCTGTTACTGGCC[G>A]TGGAGGACCCAGAGAAGCGTGTGGGCAGCGGAGGAGCCACCCTCAACGCCCTGCTGGTGG-3'
Protein context (NP_659496.2, residues 37-57): QIPAGTLLLA[Val47Met]EDPEKRVGSG

ClinVar aggregate classification (germline): Uncertain significance. Review status: criteria provided, multiple submitters, no conflicts (2 of 4 stars). 2 submissions from 2 submitters: Uncertain significance (2). Last evaluated 2025-12-03.

Allele frequency attached by ClinVar (database versions not stated): TOPMed below 0.00001; ExAC 0.00003; gnomAD exomes 0.00003.

Submissions (2):

Ambry Genetics
Classification: Uncertain significance. Last evaluated: 2025-12-03. Review status: criteria provided, single submitter. Criteria: Ambry Variant Classification Scheme 2023. Collection method: clinical testing. Allele origin: germline.

Labcorp Genetics (formerly Invitae), Labcorp
Classification: Uncertain significance. Last evaluated: 2022-07-25. Review status: criteria provided, single submitter. Criteria: Invitae Variant Classification Sherloc (09022015). Collection method: clinical testing. Allele origin: germline.
Comment: This variant is present in population databases (rs760399324, gnomAD 0.006%). In summary, the available evidence is currently insufficient to determine the role of this variant in disease. Therefore, it has been classified as a Variant of Uncertain Significance. Algorithms developed to predict the effect of missense changes on protein structure and function are either unavailable or do not agree on the potential impact of this missense change (SIFT: "Deleterious"; PolyPhen-2: "Probably Damaging"; Align-GVGD: "Class C0"). This variant has not been reported in the literature in individuals affected with FUK-related conditions. This sequence change replaces valine, which is neutral and non-polar, with methionine, which is neutral and non-polar, at codon 47 of the FUK protein (p.Val47Met).